The following is an entry in ClinVar:

NM_004036.5(ADCY3):c.1266G>A (p.Gly422=)

Gene: ADCY3 (adenylate cyclase 3; minus strand). Cytogenetic location: 2p23.3.
Variant type: single nucleotide variant.
Coding change: c.1266G>A on transcript NM_004036.5 (MANE Select); coding-DNA position 1266, G replaced by A.
Protein change: p.Gly422=; no amino-acid change (glycine 422 retained).
Molecular consequence: synonymous variant.
Genome position (GRCh38, 1-based): chr2:24,839,962, C>T on the plus strand (G>A on the coding strand, the complement: ADCY3 is on the minus strand). VCF-style: chr2-24839962-C-T. GRCh37 (hg19) VCF-style: chr2-25062831-C-T.
Other names: c.1266G>A, p.Gly422= (NM_001320613.2, NM_001377128.1, NM_001377129.1 and 2 more transcripts); c.543G>A, p.Gly181= (NM_001377131.1).
Identifiers: ClinVar variation 3349028 (VCV003349028.1).
Genomic context (GRCh38, chr2:24,839,962, plus strand): 5'-GGCTACAGTGACATCAGTCGACCACACGTCGTACTGCCAGCGCTTCTGGCCCAGGACGCC[C>T]CCCAGCACGGTGCCCGTGTGCACCCCCACACGCATGTCCACCCCAGTCTTGGTCTTCTCC-3'
Protein context (NP_004027.2, residues 412-432): RVGVHTGTVL[Gly422=]GVLGQKRWQY

ClinVar aggregate classification (germline): Likely benign (0 of 4 stars; one submission).

Conditions:
ADCY3-related disorder. Also called: ADCY3-related condition.

gnomAD v4.1: 2 of 1,613,882 alleles (0.00012%); highest among the groups gnomAD compares: African/African-American, 0.0027%; no homozygotes.

Submission:

PreventionGenetics, part of Exact Sciences
Classification: Likely benign for ADCY3-related condition. Last evaluated: 2024-03-15. Review status: no assertion criteria provided. Collection method: clinical testing. Allele origin: germline.
Comment: This variant is classified as likely benign based on ACMG/AMP sequence variant interpretation guidelines (Richards et al. 2015 PMID: 25741868, with internal and published modifications).